The following is an entry in ClinVar:

ClinVar aggregate classification (germline): Benign. Review status: criteria provided, multiple submitters, no conflicts (2 of 4 stars). 19 submissions from 19 submitters: Benign (15). 4 of the submissions do not count toward it. Last evaluated 2026-02-04.

Conditions:
Cardiovascular phenotype. Identifiers: MedGen CN230736.
Dystrophin deficiency.
Becker muscular dystrophy (BMD). Also called: MUSCULAR DYSTROPHY, PSEUDOHYPERTROPHIC PROGRESSIVE, BECKER TYPE; Becker Muscular Dystrophy (BMD). Identifiers: Orphanet 98895, MedGen C0917713, MONDO:0010311, OMIM 300376.
Cardiomyopathy (CMYO). Also called: Cardiomyopathies. Identifiers: Orphanet 167848, MedGen C0878544, MONDO:0004994, HP:0001638. Inheritance: Various modes of inheritance.
Duchenne muscular dystrophy (DMD). Also called: Duchenne Muscular Dystrophy (DMD); MUSCULAR DYSTROPHY, PSEUDOHYPERTROPHIC PROGRESSIVE, DUCHENNE TYPE. Identifiers: Orphanet 98896, MedGen C0013264, MONDO:0010679, OMIM 310200.
Dilated cardiomyopathy 3B (CMD3B). Also called: CMD3B: DMD-Related Dilated Cardiomyopathy; CARDIOMYOPATHY, DILATED, X-LINKED; DMD-Associated Dilated Cardiomyopathy. Identifiers: Orphanet 154, MedGen C3668940, MONDO:0010542, OMIM 302045.

Allele frequency attached by ClinVar (database versions not stated): gnomAD exomes 0.10669 and 0.12090; TOPMed 0.12638; gnomAD 0.12751 and 0.12542; 1000 Genomes Project 30x 0.11280; ExAC 0.11654; 1000 Genomes Project 0.11046; ESP Exome Variant Server 0.13351.
gnomAD v4.1: 146,750 of 1,208,966 alleles (12%); highest among the groups gnomAD compares: Middle Eastern, 18%; 6,324 homozygotes.

Submissions (22):

Labcorp Genetics (formerly Invitae), Labcorp
Classification: Benign for Duchenne muscular dystrophy. Last evaluated: 2026-02-04. Review status: criteria provided, single submitter. Criteria: Invitae Variant Classification Sherloc (09022015). Collection method: clinical testing. Allele origin: germline.

ARUP Laboratories, Molecular Genetics and Genomics, ARUP Laboratories
Classification: Benign. Last evaluated: 2025-07-23. Review status: criteria provided, single submitter. Criteria: ARUP Molecular Germline Variant Investigation Process 2024. Collection method: clinical testing. Allele origin: germline.

Molecular Diagnostic Laboratory for Inherited Cardiovascular Disease, Montreal Heart Institute
Classification: Benign. Last evaluated: 2025-04-09. Review status: criteria provided, single submitter. Criteria: ACMG Guidelines, 2015. Collection method: clinical testing. Allele origin: germline. Affected: no.

Blueprint Genetics
Classification: Benign. Last evaluated: 2024-11-28. Review status: criteria provided, single submitter. Criteria: ACMG Guidelines, 2015. Collection method: clinical testing. Allele origin: germline.

Mayo Clinic Laboratories, Mayo Clinic
Classification: Benign. Last evaluated: 2023-01-04. Review status: criteria provided, single submitter. Criteria: ACMG Guidelines, 2015. Collection method: clinical testing. Allele origin: germline. Observed: 303 variant alleles.

Athena Diagnostics
Classification: Benign. Last evaluated: 2021-04-26. Review status: criteria provided, single submitter. Criteria: Athena Diagnostics Criteria. Collection method: clinical testing. Allele origin: unknown.

Women's Health and Genetics/Laboratory Corporation of America, LabCorp
Classification: Benign. Last evaluated: 2018-07-12. Review status: criteria provided, single submitter. Criteria: LabCorp Variant Classification Summary - May 2015. Collection method: clinical testing. Allele origin: germline.
Comment: Variant summary: DMD c.1635A>G alters a non-conserved nucleotide resulting in a synonymous change. 5/5 computational tools predict no significant impact on normal splicing. However, these predictions have yet to be confirmed by functional studies. The variant allele was found at a frequency of 0.11 in 198892 control chromosomes in the gnomAD database, including 879 homozygotes and 8224 hemizygotes. The observed variant frequency is approximately 10-fold above the estimated maximal expected allele frequency for a pathogenic variant in DMD causing Dystrophiopathies phenotype (0.011), strongly suggesting that the variant is benign. Six clinical diagnostic laboratories have submitted clinical-significance assessments for this variant to ClinVar after 2014 and all classified the variant as benign/likely benign. Based on the evidence outlined above, the variant was classified as benign.

Illumina Laboratory Services, Illumina
Classification: Benign for Dilated cardiomyopathy 3B. Last evaluated: 2018-03-06. Review status: criteria provided, single submitter. Criteria: ICSL Variant Classification Criteria 13 December 2019. Collection method: clinical testing. Allele origin: germline.
Comment: This variant was observed in the ICSL laboratory as part of a predisposition screen in an ostensibly healthy population. It had not been previously curated by ICSL or reported in the Human Gene Mutation Database (HGMD: prior to June 1st, 2018), and was therefore a candidate for classification through an automated scoring system. Utilizing variant allele frequency, disease prevalence and penetrance estimates, and inheritance mode, an automated score was calculated to assess if this variant is too frequent to cause the disease. Based on the score and internal cut-off values, a variant classified as benign is not then subjected to further curation. The score for this variant resulted in a classification of benign for this disease.

Phosphorus, Inc.
Classification: Benign for Duchenne muscular dystrophy. Last evaluated: 2017-08-01. Review status: criteria provided, single submitter. Criteria: ACMG Guidelines, 2015. Collection method: clinical testing. Allele origin: germline. Observed: 6 variant alleles.

Ambry Genetics
Classification: Benign for Cardiovascular phenotype. Last evaluated: 2015-06-21. Review status: criteria provided, single submitter. Criteria: Ambry Variant Classification Scheme 2023. Collection method: clinical testing. Allele origin: germline.

Eurofins Ntd Llc (ga)
Classification: Benign. Last evaluated: 2015-04-17. Review status: criteria provided, single submitter. Criteria: EGL Classification Definitions 2015. Collection method: clinical testing. Allele origin: germline. Observed: 119 variant alleles, 57 heterozygotes, 6 homozygotes, 56 hemizygotes.

Laboratory for Molecular Medicine, Mass General Brigham Personalized Medicine
Classification: Benign. Last evaluated: 2014-10-29. Review status: criteria provided, single submitter. Criteria: LMM Criteria. Collection method: clinical testing. Allele origin: germline. Observed: 96 variant alleles.
Comment: p.Arg545Arg in exon 14 of DMD: This variant is not expected to have clinical sig nificance because it has been identified in 15% (586/3833) of African American c hromosomes by the NHLBI Exome Sequencing Project (VS/; dbSNP rs5927083).

GeneDx
Classification: Benign. Last evaluated: 2014-01-08. Review status: criteria provided, single submitter. Criteria: GeneDx Variant Classification (06012015). Collection method: clinical testing. Allele origin: germline. Affected: yes.
Comment: This variant is considered likely benign or benign based on one or more of the following criteria: it is a conservative change, it occurs at a poorly conserved position in the protein, it is predicted to be benign by multiple in silico algorithms, and/or has population frequency not consistent with disease.

Breakthrough Genomics
Classification: Benign. Review status: criteria provided, single submitter. Criteria: ACMG Guidelines, 2015. Collection method: not provided. Allele origin: germline. Inheritance: X-linked inheritance. Affected: yes.

PreventionGenetics, part of Exact Sciences
Classification: Benign. Review status: criteria provided, single submitter. Criteria: ACMG Guidelines, 2015. Collection method: clinical testing. Allele origin: germline.

Natera, Inc.
Classification: Benign for Becker muscular dystrophy; Cardiomyopathy; Duchenne muscular dystrophy; Dystrophin deficiency. Last evaluated: 2017-04-20. Review status: no assertion criteria provided. Collection method: clinical testing. Allele origin: germline. Not counted in ClinVar's aggregate classification.

Clinical Genetics, Academic Medical Center
Classification: Benign. Review status: no assertion criteria provided. Collection method: clinical testing. Allele origin: germline. Affected: yes. Study: VKGL Data-share Consensus. Not counted in ClinVar's aggregate classification.

Diagnostic Laboratory, Department of Genetics, University Medical Center Groningen
Classification: Benign. Review status: no assertion criteria provided. Collection method: clinical testing. Allele origin: germline. Affected: yes. Study: VKGL Data-share Consensus. Not counted in ClinVar's aggregate classification.

Dr. Peter K. Rogan Lab, Western University
No classification provided (evidence only). Condition: Malignant lymphoma, large B-cell, diffuse. Review status: no classification provided. Collection method: in vitro. Allele origin: not applicable. Functional consequence: retained intron. Not counted in ClinVar's aggregate classification.

Dr. Peter K. Rogan Lab, Western University
No classification provided (evidence only). Condition: Germ cell tumor of testis. Review status: no classification provided. Collection method: in vitro. Allele origin: not applicable. Functional consequence: retained intron. Not counted in ClinVar's aggregate classification.

Dr. Peter K. Rogan Lab, Western University
No classification provided (evidence only). Condition: Uterine carcinosarcoma. Review status: no classification provided. Collection method: in vitro. Allele origin: not applicable. Functional consequence: retained intron. Not counted in ClinVar's aggregate classification.

Genome Diagnostics Laboratory, University Medical Center Utrecht
Classification: Benign. Review status: no assertion criteria provided. Collection method: clinical testing. Allele origin: germline. Affected: yes. Study: VKGL Data-share Consensus. Not counted in ClinVar's aggregate classification.

Literature cited by the submitters: PubMed 23757202 (cited by Phosphorus, Inc.).

NM_004006.3(DMD):c.1635A>G (p.Arg545=)

Gene: DMD (dystrophin; minus strand). Cytogenetic location: Xp21.1.
Variant type: single nucleotide variant.
Coding change: c.1635A>G on transcript NM_004006.3 (MANE Select); coding-DNA position 1635, A replaced by G.
Protein change: p.Arg545=; no amino-acid change (arginine 545 retained).
Molecular consequence: synonymous variant.
Genome position (GRCh38, 1-based): chrX:32,573,814, T>C on the plus strand (A>G on the coding strand, the complement: DMD is on the minus strand). VCF-style: chrX-32573814-T-C. GRCh37 (hg19) VCF-style: chrX-32591931-T-C.
Other names: p.R545R:AGA>AGG; p.Arg545=; c.1611A>G, p.Arg537= (NM_000109.4); c.1623A>G, p.Arg541= (NM_004009.3); c.1266A>G, p.Arg422= (NM_004010.3).
Identifiers: ClinVar variation 94476 (VCV000094476.47), dbSNP rs5927083, ClinGen allele CA285529.
Genomic context (GRCh38, chrX:32,573,814, plus strand): 5'-AGTAAGACGTTGCCATTTGAGAAGGATGTCTTGTAAAAGAACCCAGCGGTCTTCTGTCCA[T>C]CTACAGATGTTTGCCCATCGATCTCCCAATACCTGGAGAAGAGACAATCAAGCACAGCAT-3'
Protein context (NP_003997.2, residues 535-555): VLGDRWANIC[Arg545=]WTEDRWVLLQ